The following is an entry in ClinVar:

NM_006734.4(HIVEP2):c.3306C>T (p.Ser1102=)

Gene: HIVEP2 (HIVEP zinc finger 2; minus strand). Cytogenetic location: 6q24.2.
Variant type: single nucleotide variant.
Coding change: c.3306C>T on transcript NM_006734.4 (MANE Select); coding-DNA position 3306, C replaced by T.
Protein change: p.Ser1102=; no amino-acid change (serine 1102 retained).
Molecular consequence: synonymous variant.
Genome position (GRCh38, 1-based): chr6:142,771,433, G>A on the plus strand (C>T on the coding strand, the complement: HIVEP2 is on the minus strand). VCF-style: chr6-142771433-G-A. GRCh37 (hg19) VCF-style: chr6-143092570-G-A.
Identifiers: ClinVar variation 778348 (VCV000778348.25), dbSNP rs183518544, ClinGen allele CA4028282.

ClinVar aggregate classification (germline): Benign/Likely benign. Review status: criteria provided, multiple submitters, no conflicts (2 of 4 stars). 3 submissions from 3 submitters: Benign (1); Likely benign (1). 1 of the submissions does not count toward it. Last evaluated 2026-08-01.

Conditions:
HIVEP2-related disorder. Also called: HIVEP2-related condition.

Allele frequency attached by ClinVar (database versions not stated): ESP Exome Variant Server 0.00024; gnomAD 0.00024 and 0.00029; TOPMed 0.00078; 1000 Genomes Project 30x 0.00109; ExAC 0.00130; gnomAD exomes 0.00138; 1000 Genomes Project 0.00140.
gnomAD v4.1: 488 of 1,613,518 alleles (0.03%); highest among the groups gnomAD compares: Admixed American, 0.61%; 3 homozygotes.

Submissions (3):

CeGaT Center for Human Genetics Tuebingen
Classification: Likely benign. Last evaluated: 2026-08-01. Review status: criteria provided, single submitter. Criteria: CeGaT Center For Human Genetics Tuebingen Variant Classification Criteria Version 2. Collection method: clinical testing. Allele origin: germline. Affected: yes. Observed: 7 variant alleles.
Comment: HIVEP2: BP4, BP7, BS1

Labcorp Genetics (formerly Invitae), Labcorp
Classification: Benign. Last evaluated: 2026-01-26. Review status: criteria provided, single submitter. Criteria: Invitae Variant Classification Sherloc (09022015). Collection method: clinical testing. Allele origin: germline.

PreventionGenetics, part of Exact Sciences
Classification: Benign for HIVEP2-related condition. Last evaluated: 2021-06-25. Review status: no assertion criteria provided. Collection method: clinical testing. Allele origin: germline. Not counted in ClinVar's aggregate classification.
Comment: This variant is classified as benign based on ACMG/AMP sequence variant interpretation guidelines (Richards et al. 2015 PMID: 25741868, with internal and published modifications).